The following is an entry in ClinVar:

ClinVar aggregate classification (germline): Uncertain significance (1 of 4 stars; one submission).

Conditions:
Chilton-Okur-Chung neurodevelopmental syndrome (CHOCNS). Identifiers: MedGen C5677022, MONDO:0859239, OMIM 619841.

gnomAD v4.1: 2 of 1,613,928 alleles (0.00012%); highest among the groups gnomAD compares: Non-Finnish European, 0.00017%; no homozygotes.

Submission:

Dasa
Classification: Uncertain significance for Chilton-Okur-Chung neurodevelopmental syndrome. Last evaluated: 2025-08-08. Review status: criteria provided, single submitter. Criteria: DASA Assertion Criteria. Collection method: clinical testing. Allele origin: germline.
Comment: NM_006035.4(CDC42BPB):c.4610C>G (p.Pro1537Arg) is a missense variant that results in the substitution of proline with arginine. This variant is rare in population databases. The currently available literature and clinical evidence are not sufficient to establish a definitive association between this variant and the reported condition. Therefore, this variant is classified as a variant of uncertain significance.

NM_006035.4(CDC42BPB):c.4610C>G (p.Pro1537Arg)

Gene: CDC42BPB (CDC42 binding protein kinase beta; minus strand). Cytogenetic location: 14q32.32.
Variant type: single nucleotide variant.
Coding change: c.4610C>G on transcript NM_006035.4 (MANE Select); coding-DNA position 4610, C replaced by G.
Protein change: p.Pro1537Arg; replaces proline 1537 with arginine.
Molecular consequence: missense variant.
Genome position (GRCh38, 1-based): chr14:102,939,929, G>C on the plus strand (C>G on the coding strand, the complement: CDC42BPB is on the minus strand). VCF-style: chr14-102939929-G-C. GRCh37 (hg19) VCF-style: chr14-103406266-G-C.
Other names: c.4532C>G, p.Pro1511Arg (NM_001411054.1); short protein forms P1511R, P1537R.
Identifiers: ClinVar variation 4882961 (VCV004882961.2).